The following is an entry in ClinVar:

ClinVar aggregate classification (germline): Pathogenic (1 of 4 stars; one submission).

Conditions:
Spastic paraplegia. Identifiers: MedGen C0037772, HP:0001258.

Submission:

Labcorp Genetics (formerly Invitae), Labcorp
Classification: Pathogenic for Spastic paraplegia. Last evaluated: 2022-08-22. Review status: criteria provided, single submitter. Criteria: Invitae Variant Classification Sherloc (09022015). Collection method: clinical testing. Allele origin: germline.
Comment: This sequence change creates a premature translational stop signal (p.Cys571*) in the ZFYVE26 gene. It is expected to result in an absent or disrupted protein product. Loss-of-function variants in ZFYVE26 are known to be pathogenic (PMID: 18394578, 19805727). For these reasons, this variant has been classified as Pathogenic. This variant has not been reported in the literature in individuals affected with ZFYVE26-related conditions. This variant is not present in population databases (gnomAD no frequency).

Literature cited by the submitters: PubMed 18394578; PubMed 19805727.

NM_015346.4(ZFYVE26):c.1713C>A (p.Cys571Ter)

Gene: ZFYVE26 (zinc finger FYVE-type containing 26; minus strand). Cytogenetic location: 14q24.1.
Variant type: single nucleotide variant.
Coding change: c.1713C>A on transcript NM_015346.4 (MANE Select); coding-DNA position 1713, C replaced by A.
Protein change: p.Cys571Ter; replaces cysteine 571 with a stop codon.
Molecular consequence: nonsense.
Genome position (GRCh38, 1-based): chr14:67,798,549, G>T on the plus strand (C>A on the coding strand, the complement: ZFYVE26 is on the minus strand). VCF-style: chr14-67798549-G-T. GRCh37 (hg19) VCF-style: chr14-68265266-G-T.
Other names: short protein forms C571*.
Identifiers: ClinVar variation 2026067 (VCV002026067.4), dbSNP rs2502858270, ClinGen allele CA390176027.